The following is an entry in ClinVar:

ClinVar aggregate classification (germline): Uncertain significance (1 of 4 stars; one submission).

Conditions:
Duchenne muscular dystrophy (DMD). Also called: MUSCULAR DYSTROPHY, PSEUDOHYPERTROPHIC PROGRESSIVE, DUCHENNE TYPE; Duchenne Muscular Dystrophy (DMD). Identifiers: Orphanet 98896, MedGen C0013264, MONDO:0010679, OMIM 310200.

Submission:

Labcorp Genetics (formerly Invitae), Labcorp
Classification: Uncertain significance for Duchenne muscular dystrophy. Last evaluated: 2024-01-11. Review status: criteria provided, single submitter. Criteria: Invitae Variant Classification Sherloc (09022015). Collection method: clinical testing. Allele origin: germline.
Comment: This sequence change falls in intron 14 of the DMD gene. It does not directly change the encoded amino acid sequence of the DMD protein. This variant is not present in population databases (gnomAD no frequency). This variant has not been reported in the literature in individuals affected with DMD-related conditions. Algorithms developed to predict the effect of sequence changes on RNA splicing suggest that this variant may disrupt the consensus splice site. In summary, the available evidence is currently insufficient to determine the role of this variant in disease. Therefore, it has been classified as a Variant of Uncertain Significance.

NM_004006.3(DMD):c.1705-15T>G

Gene: DMD (dystrophin; minus strand). Cytogenetic location: Xp21.1.
Variant type: single nucleotide variant.
Coding change: c.1705-15T>G on transcript NM_004006.3 (MANE Select); 15 bases into the intron before coding-DNA position 1705, T replaced by G.
Molecular consequence: intron variant.
Genome position (GRCh38, 1-based): chrX:32,573,652, A>C on the plus strand (T>G on the coding strand, the complement: DMD is on the minus strand). VCF-style: chrX-32573652-A-C. GRCh37 (hg19) VCF-style: chrX-32591769-A-C.
Other names: c.1681-15T>G (NM_000109.4); c.1693-15T>G (NM_004009.3); c.1336-15T>G (NM_004010.3).
Identifiers: ClinVar variation 2696137 (VCV002696137.3), dbSNP rs2526752433, ClinGen allele CA2697552996.